The following is an entry in ClinVar:

NM_182961.4(SYNE1):c.24488T>C (p.Ile8163Thr)

Gene: SYNE1 (spectrin repeat containing nuclear envelope protein 1; minus strand). Cytogenetic location: 6q25.2.
Variant type: single nucleotide variant.
Coding change: c.24488T>C on transcript NM_182961.4 (MANE Select); coding-DNA position 24488, T replaced by C.
Protein change: p.Ile8163Thr; replaces isoleucine 8163 with threonine.
Molecular consequence: missense variant.
Genome position (GRCh38, 1-based): chr6:152,149,631, A>G on the plus strand (T>C on the coding strand, the complement: SYNE1 is on the minus strand). VCF-style: chr6-152149631-A-G. GRCh37 (hg19) VCF-style: chr6-152470766-A-G.
Other names: c.1094T>C, p.Ile365Thr (NM_001347701.2); c.953T>C, p.Ile318Thr (NM_001347702.2); c.24275T>C, p.Ile8092Thr (NM_033071.5); short protein forms I8092T, I8163T, I318T, I365T.
Identifiers: ClinVar variation 500312 (VCV000500312.55), dbSNP rs139643725, ClinGen allele CA4053161.

ClinVar aggregate classification (germline): Uncertain significance. Review status: criteria provided, multiple submitters, no conflicts (2 of 4 stars). 9 submissions from 9 submitters: Uncertain significance (9). Last evaluated 2025-05-20.

Conditions:
Inborn genetic diseases. Identifiers: MedGen C0950123, MeSH D030342.
Autosomal recessive ataxia, Beauce type. Also called: SYNE1 Deficiency; Spinocerebellar ataxia, autosomal recessive 8; SYNE1-Related Autosomal Recessive Cerebellar Ataxia; ATAXIA, RECESSIVE, OF BEAUCE. Identifiers: Orphanet 88644, MedGen C1853116, MONDO:0012549, OMIM 610743.
Emery-Dreifuss muscular dystrophy 4, autosomal dominant (EDMD4). Also called: EMERY-DREIFUSS MUSCULAR DYSTROPHY 4 WITH VARIABLE FEATURES. Identifiers: Orphanet 261, MedGen C2751807, MONDO:0013071, OMIM 612998.

Allele frequency attached by ClinVar (database versions not stated): 1000 Genomes Project 30x 0.00016; ExAC 0.00018; gnomAD exomes 0.00018 and 0.00022; 1000 Genomes Project 0.00020; ESP Exome Variant Server 0.00023; gnomAD 0.00043 and 0.00045; TOPMed 0.00060.
gnomAD v4.1: 387 of 1,614,124 alleles (0.024%); highest among the groups gnomAD compares: African/African-American, 0.085%; no homozygotes.

Submissions (9):

Athena Diagnostics
Classification: Uncertain significance. Last evaluated: 2025-05-20. Review status: criteria provided, single submitter. Criteria: Athena Diagnostics Criteria. Collection method: clinical testing. Allele origin: unknown.
Comment: Available data are insufficient to determine the clinical significance of the variant at this time. The frequency of this variant in the general population is higher than would generally be expected for pathogenic variants in this gene. Polyphen and MutationTaster yielded discordant predictions regarding whether this amino acid change is damaging to the protein.

Labcorp Genetics (formerly Invitae), Labcorp
Classification: Uncertain significance for Emery-Dreifuss muscular dystrophy 4, autosomal dominant; Autosomal recessive ataxia, Beauce type. Last evaluated: 2024-10-18. Review status: criteria provided, single submitter. Criteria: Invitae Variant Classification Sherloc (09022015). Collection method: clinical testing. Allele origin: germline.
Comment: This sequence change replaces isoleucine, which is neutral and non-polar, with threonine, which is neutral and polar, at codon 8092 of the SYNE1 protein (p.Ile8092Thr). This variant is present in population databases (rs139643725, gnomAD 0.1%). This variant has not been reported in the literature in individuals affected with SYNE1-related conditions. ClinVar contains an entry for this variant (Variation ID: 500312). An algorithm developed to predict the effect of missense changes on protein structure and function (PolyPhen-2) suggests that this variant is likely to be disruptive. In summary, the available evidence is currently insufficient to determine the role of this variant in disease. Therefore, it has been classified as a Variant of Uncertain Significance.

Revvity Omics, Revvity
Classification: Uncertain significance. Last evaluated: 2023-12-18. Review status: criteria provided, single submitter. Criteria: ACMG Guidelines, 2015. Collection method: clinical testing. Allele origin: germline.

CeGaT Center for Human Genetics Tuebingen
Classification: Uncertain significance. Last evaluated: 2022-05-01. Review status: criteria provided, single submitter. Criteria: CeGaT Center For Human Genetics Tuebingen Variant Classification Criteria Version 2. Collection method: clinical testing. Allele origin: germline. Affected: yes. Observed: 1 variant allele.
Comment: SYNE1: PM2

Genetic Services Laboratory, University of Chicago
Classification: Uncertain significance. Last evaluated: 2021-09-23. Review status: criteria provided, single submitter. Criteria: ACMG Guidelines, 2015. Collection method: clinical testing. Allele origin: germline. Affected: no.
Comment: The sequence change, c.24275T>C, in exon 135 results in an amino acid change, p.Ile8092Thr. This sequence change does not appear to have been previously described in individuals with SYNE1-related disorders. This sequence change has been described in the gnomAD database with a frequency of 0.096% in the African subpopulation (dbSNP rs139643725). The p.Ile8092Thr change affects a moderately conserved amino acid residue located in a domain of the SYNE1 protein that is not known to be functional. In-silico pathogenicity prediction tools (SIFT, PolyPhen2, Align GVGD, REVEL) provide contradictory results for the p.Ile8092Thr substitution. Due to insufficient evidence and the lack of functional studies, the clinical significance of the p.Ile8092Thr change remains unknown at this time.

Ambry Genetics
Classification: Uncertain significance for Inborn genetic diseases. Last evaluated: 2021-07-08. Review status: criteria provided, single submitter. Criteria: Ambry Variant Classification Scheme 2023. Collection method: clinical testing. Allele origin: germline.

GeneDx
Classification: Uncertain significance. Last evaluated: 2020-01-06. Review status: criteria provided, single submitter. Criteria: GeneDx Variant Classification Process June 2021. Collection method: clinical testing. Allele origin: germline. Affected: yes.
Comment: In silico analysis, which includes protein predictors and evolutionary conservation, supports a deleterious effect; Has not been previously published as pathogenic or benign to our knowledge

Eurofins Ntd Llc (ga)
Classification: Uncertain significance. Last evaluated: 2018-01-24. Review status: criteria provided, single submitter. Criteria: EGL Classification Definitions 2015. Collection method: clinical testing. Allele origin: germline. Observed: 3 variant alleles, 3 heterozygotes.

Breakthrough Genomics
Classification: Uncertain significance. Review status: criteria provided, single submitter. Criteria: ACMG Guidelines, 2015. Collection method: not provided. Allele origin: germline. Inheritance: Autosomal recessive inheritance. Affected: yes.